The following is an entry in ClinVar:

NM_025176.6(NINL):c.3423+4A>T

Gene: NINL (ninein like; minus strand). Cytogenetic location: 20p11.21.
Variant type: single nucleotide variant.
Coding change: c.3423+4A>T on transcript NM_025176.6 (MANE Select); 4 bases into the intron after coding-DNA position 3423, A replaced by T.
Molecular consequence: intron variant.
Genome position (GRCh38, 1-based): chr20:25,467,385, T>A on the plus strand (A>T on the coding strand, the complement: NINL is on the minus strand). VCF-style: chr20-25467385-T-A. GRCh37 (hg19) VCF-style: chr20-25448021-T-A.
Other names: c.2376+4A>T (NM_001318226.2).
Identifiers: ClinVar variation 3061042 (VCV003061042.2), dbSNP rs2062941385, ClinGen allele CA2740097055.
Genomic context (GRCh38, chr20:25,467,385, plus strand): 5'-GATTTCAAAATAATGAAAAAAAGGAATGGTGGCATGAGCTCCATGCCAGGCGTCGATACG[T>A]CACCTGTCTGTTGAGCACCTCCATCTCAGAGCAGGCCTTTTCCTTGTCTTTCTTTAAAAC-3'

ClinVar aggregate classification (germline): Uncertain significance (0 of 4 stars; one submission).

Conditions:
NINL-related disorder. Also called: NINL-related condition.

Submission:

PreventionGenetics, part of Exact Sciences
Classification: Uncertain significance for NINL-related condition. Last evaluated: 2024-01-30. Review status: no assertion criteria provided. Collection method: clinical testing. Allele origin: germline.
Comment: The NINL c.3423+4A>T variant is predicted to interfere with splicing. To our knowledge, this variant has not been reported in the literature or in a large population database, indicating this variant is rare. At this time, the clinical significance of this variant is uncertain due to the absence of conclusive functional and genetic evidence.